The following is an entry in ClinVar:

NM_001166108.2(PALLD):c.1965-12822C>A

Gene: PALLD (palladin, cytoskeletal associated protein; plus strand). Cytogenetic location: 4q32.3.
Variant type: single nucleotide variant.
Coding change: c.1965-12822C>A on transcript NM_001166108.2 (MANE Select); 12822 bases into the intron before coding-DNA position 1965, C replaced by A.
Molecular consequence: intron variant. On other transcripts: missense variant (1).
Genome position (GRCh38, 1-based): chr4:168,878,100, C>A. VCF-style: chr4-168878100-C-A. GRCh37 (hg19) VCF-style: chr4-169799251-C-A.
Other names: c.209C>A, p.Ala70Glu (NM_001166110.2); c.1965-12822C>A (NM_016081.4); c.819-12822C>A (NM_001166109.2); c.-157-12822C>A (NM_001367570.1, NM_001367568.1, NM_001367567.1 and 1 more transcripts); c.209C>A (NM_001166110.1); short protein forms A70E.
Identifiers: ClinVar variation 2730038 (VCV002730038.4), dbSNP rs2151117389, ClinGen allele CA358795560.

ClinVar aggregate classification (germline): Uncertain significance. Review status: criteria provided, multiple submitters, no conflicts (2 of 4 stars). 2 submissions from 2 submitters: Uncertain significance (2). Last evaluated 2024-10-17.

Conditions:
Pancreatic adenocarcinoma. Identifiers: MedGen C0281361, MONDO:0006047, HP:0006725.

Submissions (2):

Ambry Genetics
Classification: Uncertain significance. Last evaluated: 2024-10-17. Review status: criteria provided, single submitter. Criteria: Ambry Variant Classification Scheme 2023. Collection method: clinical testing. Allele origin: germline.
Comment: The p.A70E variant (also known as c.209C>A), located in coding exon 1 of the PALLD gene, results from a C to A substitution at nucleotide position 209. The alanine at codon 70 is replaced by glutamic acid, an amino acid with dissimilar properties. This amino acid position is conserved. In addition, this alteration is predicted to be tolerated by in silico analysis. Based on the available evidence, the clinical significance of this variant remains unclear.

Labcorp Genetics (formerly Invitae), Labcorp
Classification: Uncertain significance for Pancreatic adenocarcinoma. Last evaluated: 2024-01-16. Review status: criteria provided, single submitter. Criteria: Invitae Variant Classification Sherloc (09022015). Collection method: clinical testing. Allele origin: germline.
Comment: This sequence change replaces alanine, which is neutral and non-polar, with glutamic acid, which is acidic and polar, at codon 70 of the PALLD protein (p.Ala70Glu). This variant is not present in population databases (gnomAD no frequency). This variant has not been reported in the literature in individuals affected with PALLD-related conditions. An algorithm developed to predict the effect of missense changes on protein structure and function (PolyPhen-2) suggests that this variant is likely to be tolerated. In summary, the available evidence is currently insufficient to determine the role of this variant in disease. Therefore, it has been classified as a Variant of Uncertain Significance.